The following is an entry in ClinVar:

NM_000222.3(KIT):c.1403C>A (p.Pro468Gln)

Gene: KIT (KIT proto-oncogene, receptor tyrosine kinase; plus strand). Cytogenetic location: 4q12.
Variant type: single nucleotide variant.
Coding change: c.1403C>A on transcript NM_000222.3 (MANE Select); coding-DNA position 1403, C replaced by A.
Protein change: p.Pro468Gln; replaces proline 468 with glutamine.
Molecular consequence: missense variant.
Genome position (GRCh38, 1-based): chr4:54,725,913, C>A. VCF-style: chr4-54725913-C-A. GRCh37 (hg19) VCF-style: chr4-55592079-C-A.
Other names: c.1403C>A, p.Pro468Gln (NM_001093772.2, NM_001385285.1, NM_001385286.1); c.1406C>A, p.Pro469Gln (NM_001385284.1, NM_001385288.1, NM_001385290.1 and 1 more transcripts); short protein forms P468Q, P469Q.
Identifiers: ClinVar variation 458869 (VCV000458869.14), dbSNP rs200518498, ClinGen allele CA96874777.

ClinVar aggregate classification (germline): Uncertain significance. Review status: criteria provided, multiple submitters, no conflicts (2 of 4 stars). 2 submissions from 2 submitters: Uncertain significance (2). Last evaluated 2025-05-23.

Conditions:
Gastrointestinal stromal tumor. Also called: Gastrointestinal stroma tumor; Gastrointestinal stromal tumor, somatic. Identifiers: Orphanet 44890, MedGen C0238198, MeSH D046152, MONDO:0011719, OMIM 606764, HP:0100723.
Hereditary cancer-predisposing syndrome. Also called: Tumor predisposition; Hereditary neoplastic syndrome; Neoplastic Syndromes, Hereditary; Hereditary Cancer Syndrome. Identifiers: Orphanet 140162, MedGen C0027672, MeSH D009386, MONDO:0015356.

Allele frequency attached by ClinVar (database versions not stated): TOPMed 0.00005.
gnomAD v4.1: 4 of 1,614,070 alleles (0.00025%); highest among the groups gnomAD compares: Admixed American, 0.005%; no homozygotes.

Submissions (2):

Ambry Genetics
Classification: Uncertain significance for Hereditary cancer-predisposing syndrome. Last evaluated: 2025-05-23. Review status: criteria provided, single submitter. Criteria: Ambry Variant Classification Scheme 2023. Collection method: clinical testing. Allele origin: germline.
Comment: The p.P468Q variant (also known as c.1403C>A), located in coding exon 9 of the KIT gene, results from a C to A substitution at nucleotide position 1403. The proline at codon 468 is replaced by glutamine, an amino acid with similar properties. This amino acid position is well conserved in available vertebrate species. In addition, this alteration is predicted to be tolerated by in silico analysis. Since supporting evidence is limited at this time, the clinical significance of this alteration remains unclear.

Labcorp Genetics (formerly Invitae), Labcorp
Classification: Uncertain significance for Gastrointestinal stromal tumor. Last evaluated: 2025-02-12. Review status: criteria provided, single submitter. Criteria: Invitae Variant Classification Sherloc (09022015). Collection method: clinical testing. Allele origin: germline.
Comment: This sequence change replaces proline, which is neutral and non-polar, with glutamine, which is neutral and polar, at codon 468 of the KIT protein (p.Pro468Gln). This variant is present in population databases (no rsID available, gnomAD 0.006%). This variant has not been reported in the literature in individuals affected with KIT-related conditions. ClinVar contains an entry for this variant (Variation ID: 458869). An algorithm developed to predict the effect of missense changes on protein structure and function (PolyPhen-2) suggests that this variant is likely to be tolerated. In summary, the available evidence is currently insufficient to determine the role of this variant in disease. Therefore, it has been classified as a Variant of Uncertain Significance.